The following is an entry in ClinVar:

ClinVar aggregate classification (germline): Uncertain significance. Review status: criteria provided, multiple submitters, no conflicts (2 of 4 stars). 2 submissions from 2 submitters: Uncertain significance (2). Last evaluated 2024-04-01.

Conditions:
Inborn genetic diseases. Identifiers: MedGen C0950123, MeSH D030342.

gnomAD v4.1: 69 of 1,613,978 alleles (0.0043%); highest among the groups gnomAD compares: Admixed American, 0.005%; no homozygotes.

Submissions (2):

Ambry Genetics
Classification: Uncertain significance for Inborn genetic diseases. Last evaluated: 2024-04-01. Review status: criteria provided, single submitter. Criteria: Ambry Variant Classification Scheme 2023. Collection method: clinical testing. Allele origin: germline.

Labcorp Genetics (formerly Invitae), Labcorp
Classification: Uncertain significance. Last evaluated: 2024-03-21. Review status: criteria provided, single submitter. Criteria: Invitae Variant Classification Sherloc (09022015). Collection method: clinical testing. Allele origin: germline.
Comment: This sequence change replaces proline, which is neutral and non-polar, with leucine, which is neutral and non-polar, at codon 104 of the RBFOX2 protein (p.Pro104Leu). This variant is present in population databases (rs140838970, gnomAD 0.1%), and has an allele count higher than expected for a pathogenic variant. This variant has not been reported in the literature in individuals affected with RBFOX2-related conditions. An algorithm developed to predict the effect of missense changes on protein structure and function (PolyPhen-2) suggests that this variant is likely to be disruptive. In summary, the available evidence is currently insufficient to determine the role of this variant in disease. Therefore, it has been classified as a Variant of Uncertain Significance.

NM_001349999.2(RBFOX2):c.311C>T (p.Pro104Leu)

Gene: RBFOX2 (RNA binding fox-1 homolog 2; minus strand). Cytogenetic location: 22q12.3.
Variant type: single nucleotide variant.
Coding change: c.311C>T on transcript NM_001349999.2 (MANE Select); coding-DNA position 311, C replaced by T.
Protein change: p.Pro104Leu; replaces proline 104 with leucine.
Molecular consequence: missense variant.
Genome position (GRCh38, 1-based): chr22:35,809,931, G>A on the plus strand (C>T on the coding strand, the complement: RBFOX2 is on the minus strand). VCF-style: chr22-35809931-G-A. GRCh37 (hg19) VCF-style: chr22-36205978-G-A.
Other names: c.101C>T, p.Pro34Leu (NM_001031695.4, NM_001082576.3, NM_001082577.3 and 4 more transcripts); c.311C>T, p.Pro104Leu (NM_001082578.4, NM_001082579.3, NM_001394108.1 and 7 more transcripts); c.167C>T, p.Pro56Leu (NM_001349982.2, NM_001349989.2, NM_001349990.2 and 5 more transcripts); short protein forms P104L, P56L, P34L.
Identifiers: ClinVar variation 3313133 (VCV003313133.3).